The following is an entry in ClinVar:

NM_000152.5(GAA):c.2055C>G (p.Tyr685Ter)

Gene: GAA (alpha glucosidase; plus strand). Cytogenetic location: 17q25.3.
Variant type: single nucleotide variant.
Coding change: c.2055C>G on transcript NM_000152.5 (MANE Select); coding-DNA position 2055, C replaced by G.
Protein change: p.Tyr685Ter; replaces tyrosine 685 with a stop codon.
Molecular consequence: nonsense.
Genome position (GRCh38, 1-based): chr17:80,113,232, C>G. VCF-style: chr17-80113232-C-G. GRCh37 (hg19) VCF-style: chr17-78087031-C-G.
Other names: c.2055C>G, p.Tyr685Ter (NM_001079803.3, NM_001079804.3, NM_001406741.1 and 1 more transcripts); short protein forms Y685*.
Identifiers: ClinVar variation 4876342 (VCV004876342.1).

ClinVar aggregate classification (germline): Likely pathogenic (1 of 4 stars; one submission).

Conditions:
Glycogen storage disease, type II (IOPD). Also called: Pompe Disease; CARDIOMEGALIA GLYCOGENICA DIFFUSA; GLYCOGENOSIS, GENERALIZED, CARDIAC FORM; GSD II; POMPE DISEASE, INFANTILE-ONSET; GLYCOGEN STORAGE DISEASE II, INFANTILE-ONSET. Identifiers: Orphanet 365, MedGen C0017921, MONDO:0009290, OMIM 232300.

Submission:

Genomenon, Inc
Classification: Likely pathogenic for Glycogen storage disease, type II. Last evaluated: 2026-07-01. Review status: criteria provided, single submitter. Criteria: Genomenon Sequence Variant Interpretation Standards - Updated. Collection method: curation. Allele origin: germline. Affected: no.
Comment: GAA p.Tyr685Ter (c.2055C>G) is a nonsense variant that introduces a premature stop codon at amino acid position 685 and is predicted to result in a truncated or absent protein product. This variant has been reported in the published literature (PMID:34922579;33073027;31076647;33560568). It is absent or not present at a significant frequency in gnomAD. In conclusion, we classify GAA p.Tyr685Ter (c.2055C>G) as a likely pathogenic variant.

Literature cited by the submitters: PubMed 34922579; PubMed 33073027; PubMed 31076647; PubMed 33560568.